The following is an entry in ClinVar:

ClinVar aggregate classification (germline): Uncertain significance. Review status: criteria provided, multiple submitters, no conflicts (2 of 4 stars). 3 submissions from 3 submitters: Uncertain significance (3). Last evaluated 2025-03-05.

Conditions:
Phosphoenolpyruvate carboxykinase deficiency, mitochondrial. Also called: PCK2 DEFICIENCY; PEPCK2 DEFICIENCY. Identifiers: Orphanet 2880, MedGen C1849821, MONDO:0009864, OMIM 261650.

Allele frequency attached by ClinVar (database versions not stated): ESP Exome Variant Server 0.00008; TOPMed 0.00010; gnomAD 0.00006; gnomAD exomes 0.00012; ExAC 0.00014.
gnomAD v4.1: 189 of 1,613,396 alleles (0.012%); highest among the groups gnomAD compares: East Asian, 0.087%; no homozygotes.

Submissions (3):

Labcorp Genetics (formerly Invitae), Labcorp
Classification: Uncertain significance. Last evaluated: 2025-03-05. Review status: criteria provided, single submitter. Criteria: Invitae Variant Classification Sherloc (09022015). Collection method: clinical testing. Allele origin: germline.
Comment: This sequence change replaces arginine, which is basic and polar, with cysteine, which is neutral and slightly polar, at codon 636 of the PCK2 protein (p.Arg636Cys). This variant is present in population databases (rs201279659, gnomAD 0.03%). This variant has not been reported in the literature in individuals affected with PCK2-related conditions. ClinVar contains an entry for this variant (Variation ID: 2723891). Invitae Evidence Modeling of protein sequence and biophysical properties (such as structural, functional, and spatial information, amino acid conservation, physicochemical variation, residue mobility, and thermodynamic stability) indicates that this missense variant is expected to disrupt PCK2 protein function with a positive predictive value of 80%. In summary, the available evidence is currently insufficient to determine the role of this variant in disease. Therefore, it has been classified as a Variant of Uncertain Significance.

Genomic Medicine Center of Excellence, King Faisal Specialist Hospital and Research Centre
Classification: Uncertain significance for Phosphoenolpyruvate carboxykinase deficiency, mitochondrial. Last evaluated: 2024-12-18. Review status: criteria provided, single submitter. Criteria: ACMG Guidelines, 2015. Collection method: clinical testing. Allele origin: germline.

Ambry Genetics
Classification: Uncertain significance. Last evaluated: 2024-05-22. Review status: criteria provided, single submitter. Criteria: Ambry Variant Classification Scheme 2023. Collection method: clinical testing. Allele origin: germline.

NM_004563.4(PCK2):c.1906C>T (p.Arg636Cys)

Genes: NRL (neural retina leucine zipper; minus strand), PCK2 (phosphoenolpyruvate carboxykinase 2, mitochondrial; plus strand). Cytogenetic location: 14q12.
Variant type: single nucleotide variant.
Coding change: c.1906C>T on transcript NM_004563.4 (MANE Select); coding-DNA position 1906, C replaced by T.
Protein change: p.Arg636Cys; replaces arginine 636 with cysteine.
Molecular consequence: missense variant. On other transcripts: intron variant (3).
Genome position (GRCh38, 1-based): chr14:24,103,947, C>T. VCF-style: chr14-24103947-C-T. GRCh37 (hg19) VCF-style: chr14-24573156-C-T.
Other names: c.1504C>T, p.Arg502Cys (NM_001291556.2, NM_001308054.2); c.-28+10775G>A (NM_001354768.3, NM_001354770.2); c.-254+10775G>A (NM_006177.5); short protein forms R502C, R636C.
Identifiers: ClinVar variation 2723891 (VCV002723891.5), dbSNP rs201279659, ClinGen allele CA7123665.